The following is an entry in ClinVar:

NM_000843.4(GRM6):c.1508C>T (p.Ala503Val)

Genes: GRM6 (glutamate metabotropic receptor 6; minus strand), ZNF454 (zinc finger protein 454; plus strand). Cytogenetic location: 5q35.3.
Variant type: single nucleotide variant.
Coding change: c.1508C>T on transcript NM_000843.4 (MANE Select); coding-DNA position 1508, C replaced by T.
Protein change: p.Ala503Val; replaces alanine 503 with valine.
Molecular consequence: missense variant.
Genome position (GRCh38, 1-based): chr5:178,986,746, G>A on the plus strand (C>T on the coding strand, the complement: GRM6 is on the minus strand). VCF-style: chr5-178986746-G-A. GRCh37 (hg19) VCF-style: chr5-178413747-G-A.
Other names: short protein forms A503V.
Identifiers: ClinVar variation 1431660 (VCV001431660.6), dbSNP rs370684140, ClinGen allele CA3594013.

ClinVar aggregate classification (germline): Uncertain significance. Review status: criteria provided, multiple submitters, no conflicts (2 of 4 stars). 2 submissions from 2 submitters: Uncertain significance (2). Last evaluated 2022-07-05.

Allele frequency attached by ClinVar (database versions not stated): gnomAD exomes 0.00002; ExAC 0.00004; ESP Exome Variant Server 0.00015.
gnomAD v4.1: 9 of 1,607,370 alleles (0.00056%); highest among the groups gnomAD compares: African/African-American, 0.0093%; no homozygotes.

Submissions (2):

Labcorp Genetics (formerly Invitae), Labcorp
Classification: Uncertain significance. Last evaluated: 2022-07-05. Review status: criteria provided, single submitter. Criteria: Invitae Variant Classification Sherloc (09022015). Collection method: clinical testing. Allele origin: germline.
Comment: This sequence change replaces alanine, which is neutral and non-polar, with valine, which is neutral and non-polar, at codon 503 of the GRM6 protein (p.Ala503Val). This variant is present in population databases (rs370684140, gnomAD 0.03%). This variant has not been reported in the literature in individuals affected with GRM6-related conditions. ClinVar contains an entry for this variant (Variation ID: 1431660). Advanced modeling of protein sequence and biophysical properties (such as structural, functional, and spatial information, amino acid conservation, physicochemical variation, residue mobility, and thermodynamic stability) performed at Invitae indicates that this missense variant is not expected to disrupt GRM6 protein function. In summary, the available evidence is currently insufficient to determine the role of this variant in disease. Therefore, it has been classified as a Variant of Uncertain Significance.

Blueprint Genetics
Classification: Uncertain significance. Last evaluated: 2020-10-02. Review status: criteria provided, single submitter. Criteria: ACMG Guidelines, 2015. Collection method: clinical testing. Allele origin: germline.